The following is an entry in ClinVar:

NM_007294.4(BRCA1):c.5151C>G (p.Phe1717Leu)

Gene: BRCA1 (BRCA1 DNA repair associated; minus strand). Cytogenetic location: 17q21.31.
Variant type: single nucleotide variant.
Coding change: c.5151C>G on transcript NM_007294.4 (MANE Select); coding-DNA position 5151, C replaced by G.
Protein change: p.Phe1717Leu; replaces phenylalanine 1717 with leucine.
Molecular consequence: missense variant. On other transcripts: non-coding transcript variant (1).
Genome position (GRCh38, 1-based): chr17:43,063,875, G>C on the plus strand (C>G on the coding strand, the complement: BRCA1 is on the minus strand). VCF-style: chr17-43063875-G-C. GRCh37 (hg19) VCF-style: chr17-41215892-G-C.
Other names: c.4938C>G, p.Phe1646Leu (NM_001407571.1, NM_001407894.1, NM_001407895.1 and 12 more transcripts); c.5217C>G, p.Phe1739Leu (NM_001407581.1, NM_001407582.1); c.5214C>G, p.Phe1738Leu (NM_001407583.1, NM_001407585.1, NM_001407587.1 and 1 more transcripts); c.5211C>G, p.Phe1737Leu (NM_001407590.1, NM_001407591.1); c.5151C>G, p.Phe1717Leu (NM_001407593.1, NM_001407594.1, NM_001407596.1 and 7 more transcripts); c.5148C>G, p.Phe1716Leu (NM_001407615.1, NM_001407616.1, NM_001407617.1 and 17 more transcripts); c.5145C>G, p.Phe1715Leu (NM_001407634.1, NM_001407635.1, NM_001407636.1 and 14 more transcripts); c.5070C>G, p.Phe1690Leu (NM_001407657.1, NM_001407658.1, NM_001407656.1); and 71 more; short protein forms F1738L, F1670L, F1717L, F613L, F1563L, F1646L, F1668L, F1669L.
Identifiers: ClinVar variation 865027 (VCV000865027.3), dbSNP rs2051906420, ClinGen allele CA10591244.

Conditions:
Breast-ovarian cancer, familial, susceptibility to, 1 (BROVCA1). Also called: BRCA1 Hereditary Breast and Ovarian Cancer; OVARIAN CANCER, SUSCEPTIBILITY TO. Identifiers: Orphanet 145, MedGen C2676676, MONDO:0011450, OMIM 604370. Disease mechanism: loss of function.

Submission:

Brotman Baty Institute, University of Washington
No classification provided (evidence only). Condition: Breast-ovarian cancer, familial 1. Review status: no classification provided. Collection method: in vitro. Allele origin: not applicable. Functional consequence: functionally_normal.
ClinVar note: "not provided" was previously submitted as the classification for the variant. However, the classification appeared to be based only on an observation of functional data so it was converted to no classification on 2025-07-30.